The following is an entry in ClinVar:

ClinVar aggregate classification (germline): Likely pathogenic (1 of 4 stars; one submission).

Conditions:
Episodic ataxia type 2 (EA2). Also called: ATAXIA, EPISODIC, WITH NYSTAGMUS; ATAXIA, FAMILIAL PAROXYSMAL; CEREBELLAR ATAXIA, PAROXYSMAL, ACETAZOLAMIDE-RESPONSIVE; CEREBELLOPATHY, HEREDITARY PAROXYSMAL; ACETAZOLAMIDE-RESPONSIVE HEREDITARY PAROXYSMAL CEREBELLAR ATAXIA; EPISODIC ATAXIA, NYSTAGMUS-ASSOCIATED. Identifiers: Orphanet 97, MedGen C1720416, MONDO:0007163, OMIM 108500.
Developmental and epileptic encephalopathy, 42 (DEE42A). Also called: DEVELOPMENTAL AND EPILEPTIC ENCEPHALOPATHY 42A; EPILEPTIC ENCEPHALOPATHY, EARLY INFANTILE, 42A; Epileptic encephalopathy, early infantile, 42. Identifiers: MedGen C4310716, MONDO:0014917, OMIM 617106.

Submission:

Labcorp Genetics (formerly Invitae), Labcorp
Classification: Likely pathogenic for Developmental and epileptic encephalopathy, 42; Episodic ataxia type 2. Last evaluated: 2024-10-29. Review status: criteria provided, single submitter. Criteria: Invitae Variant Classification Sherloc (09022015). Collection method: clinical testing. Allele origin: germline.
Comment: This sequence change affects an acceptor splice site in intron 1 of the CACNA1A gene. It is expected to disrupt RNA splicing. Variants that disrupt the donor or acceptor splice site typically lead to a loss of protein function (PMID: 16199547), and loss-of-function variants in CACNA1A are known to be pathogenic (PMID: 10371528, 19486177, 25735478, 27250579). This variant is not present in population databases (gnomAD no frequency). This variant has not been reported in the literature in individuals affected with CACNA1A-related conditions. ClinVar contains an entry for this variant (Variation ID: 1492346). Variants that disrupt the consensus splice site are a relatively common cause of aberrant splicing (PMID: 17576681, 9536098). Experimental studies and prediction algorithms are not available or were not evaluated, and the effect of this variant on mRNA splicing is currently unknown. In summary, the currently available evidence indicates that the variant is pathogenic, but additional data are needed to prove that conclusively. Therefore, this variant has been classified as Likely Pathogenic.

Literature cited by the submitters: PubMed 16199547; PubMed 10371528; PubMed 19486177; PubMed 25735478; PubMed 27250579; PubMed 17576681; PubMed 9536098.

NM_001127222.2(CACNA1A):c.294-1C>A

Gene: CACNA1A (calcium voltage-gated channel subunit alpha1 A; minus strand). Cytogenetic location: 19p13.13.
Variant type: single nucleotide variant.
Coding change: c.294-1C>A on transcript NM_001127222.2 (MANE Select); the canonical splice acceptor site of the intron before coding-DNA position 294, C replaced by A.
Molecular consequence: splice acceptor variant.
Genome position (GRCh38, 1-based): chr19:13,455,213, G>T on the plus strand (C>A on the coding strand, the complement: CACNA1A is on the minus strand). VCF-style: chr19-13455213-G-T. GRCh37 (hg19) VCF-style: chr19-13566027-G-T.
Other names: c.294-1C>A (NM_001127221.2, NM_001174080.2, NM_000068.4 and 1 more transcripts).
Identifiers: ClinVar variation 1492346 (VCV001492346.6), dbSNP rs1568662077, ClinGen allele CA404967986.